The following is an entry in ClinVar:

NM_206937.2(LIG4):c.2032C>G (p.Leu678Val)

Gene: LIG4 (DNA ligase 4; minus strand). Cytogenetic location: 13q33.3.
Variant type: single nucleotide variant.
Coding change: c.2032C>G on transcript NM_206937.2 (MANE Select); coding-DNA position 2032, C replaced by G.
Protein change: p.Leu678Val; replaces leucine 678 with valine.
Molecular consequence: missense variant.
Genome position (GRCh38, 1-based): chr13:108,209,237, G>C on the plus strand (C>G on the coding strand, the complement: LIG4 is on the minus strand). VCF-style: chr13-108209237-G-C. GRCh37 (hg19) VCF-style: chr13-108861585-G-C.
Other names: c.2032C>G, p.Leu678Val (NM_001098268.2, NM_001352598.2, NM_001352599.2 and 6 more transcripts); c.1831C>G, p.Leu611Val (NM_001330595.2); c.2068C>G, p.Leu690Val (NM_001352604.2); short protein forms L678V, L611V, L690V.
Identifiers: ClinVar variation 3714314 (VCV003714314.2).

ClinVar aggregate classification (germline): Uncertain significance (1 of 4 stars; one submission).

Conditions:
DNA ligase IV deficiency. Identifiers: Orphanet 99812, MedGen C1847827, MONDO:0011686, OMIM 606593.

gnomAD v4.1: 2 of 1,614,064 alleles (0.00012%); highest among the groups gnomAD compares: Non-Finnish European, 0.00017%; no homozygotes.

Submission:

Labcorp Genetics (formerly Invitae), Labcorp
Classification: Uncertain significance for DNA ligase IV deficiency. Last evaluated: 2024-04-10. Review status: criteria provided, single submitter. Criteria: Invitae Variant Classification Sherloc (09022015). Collection method: clinical testing. Allele origin: germline.
Comment: This sequence change replaces leucine, which is neutral and non-polar, with valine, which is neutral and non-polar, at codon 678 of the LIG4 protein (p.Leu678Val). This variant is present in population databases (no rsID available, gnomAD 0.0009%). This variant has not been reported in the literature in individuals affected with LIG4-related conditions. Advanced modeling of protein sequence and biophysical properties (such as structural, functional, and spatial information, amino acid conservation, physicochemical variation, residue mobility, and thermodynamic stability) has been performed at Invitae for this missense variant, however the output from this modeling did not meet the statistical confidence thresholds required to predict the impact of this variant on LIG4 protein function. In summary, the available evidence is currently insufficient to determine the role of this variant in disease. Therefore, it has been classified as a Variant of Uncertain Significance.